The following is an entry in ClinVar:

ClinVar aggregate classification (germline): Conflicting classifications of pathogenicity. Review status: criteria provided, conflicting classifications (1 of 4 stars). 3 submissions from 2 submitters: Uncertain significance (1); Benign (2). Last evaluated 2025-09-20.

Conditions:
Pseudohypoaldosteronism, type IB1, autosomal recessive. Also called: Pseudohypoaldosteronism, Type I, Autosomal Recessive; PHA I, AUTOSOMAL RECESSIVE; Pseudohypoaldosteronism, Type I, Recessive; Autosomal recessive pseudohypoaldosteronism type 1. Identifiers: Orphanet 171876, Orphanet 756, MedGen C5774176, MONDO:0009917, OMIM 264350.
Bronchiectasis with or without elevated sweat chloride 2 (BESC2). Identifiers: Orphanet 60033, MedGen C2751666, MONDO:0013087, OMIM 613021.

Allele frequency attached by ClinVar (database versions not stated): gnomAD below 0.00001 and 0.00007; TOPMed below 0.00001; gnomAD exomes 0.00012 and 0.00019; ExAC 0.00024; 1000 Genomes Project 30x 0.00031; 1000 Genomes Project 0.00040.
gnomAD v4.1: 183 of 1,613,958 alleles (0.011%); highest among the groups gnomAD compares: South Asian, 0.19%; 4 homozygotes.

Submissions (3):

Labcorp Genetics (formerly Invitae), Labcorp
Classification: Benign. Last evaluated: 2025-09-20. Review status: criteria provided, single submitter. Criteria: Invitae Variant Classification Sherloc (09022015). Collection method: clinical testing. Allele origin: germline.

Illumina Laboratory Services, Illumina
Classification: Benign for Bronchiectasis with or without elevated sweat chloride 2. Last evaluated: 2018-01-13. Review status: criteria provided, single submitter. Criteria: ICSL Variant Classification Criteria 13 December 2019. Collection method: clinical testing. Allele origin: germline.
Comment: This variant was observed in the ICSL laboratory as part of a predisposition screen in an ostensibly healthy population. It had not been previously curated by ICSL or reported in the Human Gene Mutation Database (HGMD: prior to June 1st, 2018), and was therefore a candidate for classification through an automated scoring system. Utilizing variant allele frequency, disease prevalence and penetrance estimates, and inheritance mode, an automated score was calculated to assess if this variant is too frequent to cause the disease. Based on the score and internal cut-off values, a variant classified as benign is not then subjected to further curation. The score for this variant resulted in a classification of benign for this disease.

Illumina Laboratory Services, Illumina
Classification: Uncertain significance for Pseudohypoaldosteronism, type IB1, autosomal recessive. Last evaluated: 2018-01-13. Review status: criteria provided, single submitter. Criteria: ICSL Variant Classification Criteria 13 December 2019. Collection method: clinical testing. Allele origin: germline.

NM_001038.6(SCNN1A):c.1073A>G (p.Glu358Gly)

Gene: SCNN1A (sodium channel epithelial 1 subunit alpha; minus strand). Cytogenetic location: 12p13.31.
Variant type: single nucleotide variant.
Coding change: c.1073A>G on transcript NM_001038.6 (MANE Select); coding-DNA position 1073, A replaced by G.
Protein change: p.Glu358Gly; replaces glutamic acid 358 with glycine.
Molecular consequence: missense variant.
Genome position (GRCh38, 1-based): chr12:6,355,342, T>C on the plus strand (A>G on the coding strand, the complement: SCNN1A is on the minus strand). VCF-style: chr12-6355342-T-C. GRCh37 (hg19) VCF-style: chr12-6464508-T-C.
Other names: c.1142A>G, p.Glu381Gly (NM_001159575.2); c.1250A>G, p.Glu417Gly (NM_001159576.2); short protein forms E358G, E381G, E417G.
Identifiers: ClinVar variation 310142 (VCV000310142.8), dbSNP rs569195112, ClinGen allele CA6405996.